The following is an entry in ClinVar:

ClinVar aggregate classification (germline): Uncertain significance (1 of 4 stars; one submission).

Conditions:
FLT4-related disorder. Also called: FLT4-related condition.

Submission:

PreventionGenetics, part of Exact Sciences
Classification: Uncertain significance for FLT4-related condition. Last evaluated: 2025-01-14. Review status: criteria provided, single submitter. Criteria: ACMG Guidelines, 2015. Collection method: clinical testing. Allele origin: germline.
Comment: The FLT4 c.3370_3376delinsATCAATG variant is predicted to result in an in-frame deletion and insertion. To our knowledge, this variant has not been reported in the literature or in a large population database (gnomAD), indicating this variant is rare. Although we suspect that this variant may be pathogenic, at this time, the clinical significance of this variant is uncertain due to the absence of conclusive functional and genetic evidence.

NM_182925.5(FLT4):c.3370_3376delinsATCAATG (p.Phe1124_Gln1126delinsIleAsnGlu)

Gene: FLT4 (fms related receptor tyrosine kinase 4; minus strand). Cytogenetic location: 5q35.3.
Variant type: Indel.
Coding change: c.3370_3376delinsATCAATG on transcript NM_182925.5 (MANE Select); coding-DNA positions 3370 to 3376, TTCTGCC replaced by ATCAATG.
Protein change: p.Phe1124_Gln1126delinsIleAsnGlu.
Molecular consequence: missense variant.
Genome position (GRCh38, 1-based): chr5:180,613,066-180,613,072, GGCAGAA replaced by CATTGAT on the plus strand (TTCTGCC replaced by ATCAATG on the coding strand, the reverse complement: FLT4 is on the minus strand). VCF-style: chr5-180613066-GGCAGAA-CATTGAT. GRCh37 (hg19) VCF-style: chr5-180040066-GGCAGAA-CATTGAT.
Other names: c.3370_3376delinsATCAATG, p.Phe1124_Gln1126delinsIleAsnGlu (NM_001354989.2, NM_002020.5).
Identifiers: ClinVar variation 4998240 (VCV004998240.1).